The following is an entry in ClinVar:

NM_001166108.2(PALLD):c.344C>T (p.Ser115Leu)

Gene: PALLD (palladin, cytoskeletal associated protein; plus strand). Cytogenetic location: 4q32.3.
Variant type: single nucleotide variant.
Coding change: c.344C>T on transcript NM_001166108.2 (MANE Select); coding-DNA position 344, C replaced by T.
Protein change: p.Ser115Leu; replaces serine 115 with leucine.
Molecular consequence: missense variant.
Genome position (GRCh38, 1-based): chr4:168,511,848, C>T. VCF-style: chr4-168511848-C-T. GRCh37 (hg19) VCF-style: chr4-169432999-C-T.
Other names: c.344C>T, p.Ser115Leu (NM_016081.4); short protein forms S115L.
Identifiers: ClinVar variation 1731543 (VCV001731543.2), dbSNP rs2531430987, ClinGen allele CA358725477.

ClinVar aggregate classification (germline): Uncertain significance (1 of 4 stars; one submission).

Submission:

Ambry Genetics
Classification: Uncertain significance. Last evaluated: 2024-02-02. Review status: criteria provided, single submitter. Criteria: Ambry Variant Classification Scheme 2023. Collection method: clinical testing. Allele origin: germline.
Comment: The p.S115L variant (also known as c.344C>T), located in coding exon 1 of the PALLD gene, results from a C to T substitution at nucleotide position 344. The serine at codon 115 is replaced by leucine, an amino acid with dissimilar properties. This amino acid position is conserved. In addition, this alteration is predicted to be tolerated by in silico analysis. Since supporting evidence is limited at this time, the clinical significance of this alteration remains unclear.